The following is an entry in ClinVar:

NM_001039141.3(TRIOBP):c.4103G>A (p.Arg1368Gln)

Gene: TRIOBP (TRIO and F-actin binding protein; plus strand). Cytogenetic location: 22q13.1.
Variant type: single nucleotide variant.
Coding change: c.4103G>A on transcript NM_001039141.3 (MANE Select); coding-DNA position 4103, G replaced by A.
Protein change: p.Arg1368Gln; replaces arginine 1368 with glutamine.
Molecular consequence: missense variant.
Genome position (GRCh38, 1-based): chr22:37,734,439, G>A. VCF-style: chr22-37734439-G-A. GRCh37 (hg19) VCF-style: chr22-38130446-G-A.
Other names: short protein forms R1368Q.
Identifiers: ClinVar variation 504688 (VCV000504688.32), dbSNP rs182816010, ClinGen allele CA10224318.

ClinVar aggregate classification (germline): Conflicting classifications of pathogenicity. Review status: criteria provided, conflicting classifications (1 of 4 stars). 4 submissions from 4 submitters: Uncertain significance (1); Likely benign (3). Last evaluated 2025-12-01.

Allele frequency attached by ClinVar (database versions not stated): gnomAD exomes 0.00006 and 0.00016; ExAC 0.00015; gnomAD 0.00039 and 0.00040; ESP Exome Variant Server 0.00049; TOPMed 0.00050; 1000 Genomes Project 0.00060; 1000 Genomes Project 30x 0.00078.
gnomAD v4.1: 151 of 1,613,264 alleles (0.0094%); highest among the groups gnomAD compares: African/African-American, 0.12%; no homozygotes.

Submissions (4):

CeGaT Center for Human Genetics Tuebingen
Classification: Uncertain significance. Last evaluated: 2025-12-01. Review status: criteria provided, single submitter. Criteria: CeGaT Center For Human Genetics Tuebingen Variant Classification Criteria Version 2. Collection method: clinical testing. Allele origin: germline. Affected: yes. Observed: 2 variant alleles.
Comment: TRIOBP: PM2, BP4

Labcorp Genetics (formerly Invitae), Labcorp
Classification: Likely benign. Last evaluated: 2025-05-19. Review status: criteria provided, single submitter. Criteria: Invitae Variant Classification Sherloc (09022015). Collection method: clinical testing. Allele origin: germline.

Laboratory for Molecular Medicine, Mass General Brigham Personalized Medicine
Classification: Likely benign. Last evaluated: 2016-07-21. Review status: criteria provided, single submitter. Criteria: LMM Criteria. Collection method: clinical testing. Allele origin: germline. Observed: 1 variant allele.
Comment: p.Arg1368Gln in exon 9 of TRIOBP: This variant is not expected to have clinical significance due to a lack of conservation across species, including mammals. Of note, >5 mammals have a glutamine (Gln) at this position despite high nearby am ino acid conservation. In addition, computational prediction tools do not sugges t a high likelihood of impact to the protein. It has been identified in 0.1% (9/ 9264) of African chromosomes by the Exome Aggregation Consortium (ExAC; dbSNP rs182816010).

Breakthrough Genomics
Classification: Likely benign. Review status: criteria provided, single submitter. Criteria: ACMG Guidelines, 2015. Collection method: not provided. Allele origin: germline. Inheritance: Autosomal recessive inheritance. Affected: yes.